The following is an entry in ClinVar:

NM_000210.4(ITGA6):c.1102C>T (p.Arg368Cys)

Genes: ITGA6 (integrin subunit alpha 6; plus strand), PDK1-AS1 (PDK1 and ITGA6 antisense RNA 1; minus strand). Cytogenetic location: 2q31.1.
Variant type: single nucleotide variant.
Coding change: c.1102C>T on transcript NM_000210.4 (MANE Select); coding-DNA position 1102, C replaced by T.
Protein change: p.Arg368Cys; replaces arginine 368 with cysteine.
Molecular consequence: missense variant.
Genome position (GRCh38, 1-based): chr2:172,475,044, C>T. VCF-style: chr2-172475044-C-T. GRCh37 (hg19) VCF-style: chr2-173339772-C-T.
Other names: c.1102C>T, p.Arg368Cys (NM_001079818.3, NM_001365529.2, NM_001365530.2); c.745C>T, p.Arg249Cys (NM_001316306.2); c.1219C>T, p.Arg407Cys (NM_001394928.1); short protein forms R407C, R249C, R368C.
Identifiers: ClinVar variation 2167470 (VCV002167470.2), dbSNP rs758680557, ClinGen allele CA1968038.

ClinVar aggregate classification (germline): Uncertain significance (1 of 4 stars; one submission).

Allele frequency attached by ClinVar (database versions not stated): ExAC 0.00001; gnomAD exomes 0.00001; gnomAD 0.00002; TOPMed 0.00002.

Submission:

Labcorp Genetics (formerly Invitae), Labcorp
Classification: Uncertain significance. Last evaluated: 2025-06-12. Review status: criteria provided, single submitter. Criteria: Invitae Variant Classification Sherloc (09022015). Collection method: clinical testing. Allele origin: germline.
Comment: This sequence change replaces arginine, which is basic and polar, with cysteine, which is neutral and slightly polar, at codon 368 of the ITGA6 protein (p.Arg368Cys). This variant is present in population databases (rs758680557, gnomAD 0.0009%). This variant has not been reported in the literature in individuals affected with ITGA6-related conditions. ClinVar contains an entry for this variant (Variation ID: 2167470). Invitae Evidence Modeling of protein sequence and biophysical properties (such as structural, functional, and spatial information, amino acid conservation, physicochemical variation, residue mobility, and thermodynamic stability) indicates that this missense variant is not expected to disrupt ITGA6 protein function with a negative predictive value of 80%. In summary, the available evidence is currently insufficient to determine the role of this variant in disease. Therefore, it has been classified as a Variant of Uncertain Significance.